The following is an entry in ClinVar:

NM_006618.5(KDM5B):c.-9C>T

Genes: KDM5B (lysine demethylase 5B; minus strand), LOC129932250 (ATAC-STARR-seq lymphoblastoid silent region 1706; plus strand). Cytogenetic location: 1q32.1.
Variant type: single nucleotide variant.
Coding change: c.-9C>T on transcript NM_006618.5 (MANE Select); 9 bases upstream of the start codon, C replaced by T.
Molecular consequence: 5 prime UTR variant.
Genome position (GRCh38, 1-based): chr1:202,808,314, G>A on the plus strand (C>T on the coding strand, the complement: KDM5B is on the minus strand). VCF-style: chr1-202808314-G-A. GRCh37 (hg19) VCF-style: chr1-202777442-G-A.
Other names: c.-9C>T (NM_001314042.2, NM_001347591.2, NM_001399817.1).
Identifiers: ClinVar variation 3039408 (VCV003039408.2), dbSNP rs140228931, ClinGen allele CA1335126.

ClinVar aggregate classification (germline): Benign (0 of 4 stars; one submission).

Conditions:
KDM5B-related disorder. Also called: KDM5B-related condition.

Allele frequency attached by ClinVar (database versions not stated): ExAC 0.00587; ESP Exome Variant Server 0.01769; 1000 Genomes Project 0.02236; 1000 Genomes Project 30x 0.02264.
gnomAD v4.1: 4,777 of 1,581,490 alleles (0.3%); highest among the groups gnomAD compares: African/African-American, 5.6%; 116 homozygotes.

Submission:

PreventionGenetics, part of Exact Sciences
Classification: Benign for KDM5B-related condition. Last evaluated: 2020-10-10. Review status: no assertion criteria provided. Collection method: clinical testing. Allele origin: germline.
Comment: This variant is classified as benign based on ACMG/AMP sequence variant interpretation guidelines (Richards et al. 2015 PMID: 25741868, with internal and published modifications).